The following is an entry in ClinVar:

ClinVar aggregate classification (germline): Uncertain significance (1 of 4 stars; one submission).

Allele frequency attached by ClinVar (database versions not stated): gnomAD exomes below 0.00001.
gnomAD v4.1: 1 of 1,469,282 alleles (0.000068%); highest among the groups gnomAD compares: Non-Finnish European, 0.000093%; no homozygotes.

Submission:

Labcorp Genetics (formerly Invitae), Labcorp
Classification: Uncertain significance. Last evaluated: 2021-12-14. Review status: criteria provided, single submitter. Criteria: Invitae Variant Classification Sherloc (09022015). Collection method: clinical testing. Allele origin: germline.
Comment: This variant is not present in population databases (gnomAD no frequency). In summary, the available evidence is currently insufficient to determine the role of this variant in disease. Therefore, it has been classified as a Variant of Uncertain Significance. Advanced modeling of protein sequence and biophysical properties (such as structural, functional, and spatial information, amino acid conservation, physicochemical variation, residue mobility, and thermodynamic stability) performed at Invitae indicates that this missense variant is not expected to disrupt CACNA1B protein function. This variant has not been reported in the literature in individuals affected with CACNA1B-related conditions. This sequence change replaces lysine, which is basic and polar, with asparagine, which is neutral and polar, at codon 1015 of the CACNA1B protein (p.Lys1015Asn).

NM_000718.4(CACNA1B):c.3045G>C (p.Lys1015Asn)

Gene: CACNA1B (calcium voltage-gated channel subunit alpha1 B; plus strand). Cytogenetic location: 9q34.3.
Variant type: single nucleotide variant.
Coding change: c.3045G>C on transcript NM_000718.4 (MANE Select); coding-DNA position 3045, G replaced by C.
Protein change: p.Lys1015Asn; replaces lysine 1015 with asparagine.
Molecular consequence: missense variant.
Genome position (GRCh38, 1-based): chr9:138,023,788, G>C. VCF-style: chr9-138023788-G-C. GRCh37 (hg19) VCF-style: chr9-140918240-G-C.
Other names: c.3045G>C, p.Lys1015Asn (NM_001243812.2); short protein forms K1015N.
Identifiers: ClinVar variation 1978708 (VCV001978708.4), dbSNP rs2539376287, ClinGen allele CA375810693.
Genomic context (GRCh38, chr9:138,023,788, plus strand): 5'-GACCACGGAGAAGGAGGCCACGGAGAAGGAGGCTGAGATAGTGGAAGCCGACAAGGAAAA[G>C]GAGCTCCGGAACCACCAGCCCCGGTGAGTCCGCGGCTGGGCGGGGTCAGGGAGGGAAGGG-3'
Protein context (NP_000709.1, residues 1005-1025): EAEIVEADKE[Lys1015Asn]ELRNHQPREP